The following is an entry in ClinVar:

NM_014236.4(GNPAT):c.1158G>A (p.Trp386Ter)

Gene: GNPAT (glyceronephosphate O-acyltransferase; plus strand). Cytogenetic location: 1q42.2.
Variant type: single nucleotide variant.
Coding change: c.1158G>A on transcript NM_014236.4 (MANE Select); coding-DNA position 1158, G replaced by A.
Protein change: p.Trp386Ter; replaces tryptophan 386 with a stop codon.
Molecular consequence: nonsense.
Genome position (GRCh38, 1-based): chr1:231,267,782, G>A. VCF-style: chr1-231267782-G-A. GRCh37 (hg19) VCF-style: chr1-231403528-G-A.
Other names: c.975G>A, p.Trp325Ter (NM_001316350.2); short protein forms W386*, W325*.
Identifiers: ClinVar variation 1925833 (VCV001925833.6), dbSNP rs1283169932, ClinGen allele CA345235788.

ClinVar aggregate classification (germline): Pathogenic/Likely pathogenic. Review status: criteria provided, multiple submitters, no conflicts (2 of 4 stars). 2 submissions from 2 submitters: Pathogenic (1); Likely pathogenic (1). Last evaluated 2024-03-18.

Conditions:
Rhizomelic chondrodysplasia punctata type 2 (RCDP2). Also called: glyceronephosphate O-acyltransferase (GNPAT) deficiency; DHAPAT DEFICIENCY; DIHYDROXYACETONEPHOSPHATE ACYLTRANSFERASE DEFICIENCY; PEROXISOMAL DIHYDROXYACETONEPHOSPHATE ACYLTRANSFERASE DEFICIENCY; Chondrodysplasia punctata, rhizomelic, due to dihydroxyacetonephosphate acyltransferase deficiency; Glyceronephosphate O-acyltransferase deficiency. Identifiers: Orphanet 177, Orphanet 309796, MedGen C1857242, MONDO:0100273, OMIM 222765. Disease mechanism: loss of function.

Allele frequency attached by ClinVar (database versions not stated): gnomAD exomes below 0.00001; gnomAD 0.00001; TOPMed 0.00001.
gnomAD v4.1: 3 of 1,613,150 alleles (0.00019%); highest among the groups gnomAD compares: Non-Finnish European, 0.00025%; no homozygotes.

Submissions (2):

Baylor Genetics
Classification: Likely pathogenic for Rhizomelic chondrodysplasia punctata type 2. Last evaluated: 2024-03-18. Review status: criteria provided, single submitter. Criteria: ACMG Guidelines, 2015. Collection method: clinical testing. Allele origin: unknown.

Labcorp Genetics (formerly Invitae), Labcorp
Classification: Pathogenic. Last evaluated: 2022-02-25. Review status: criteria provided, single submitter. Criteria: Invitae Variant Classification Sherloc (09022015). Collection method: clinical testing. Allele origin: germline.
Comment: For these reasons, this variant has been classified as Pathogenic. This variant has not been reported in the literature in individuals affected with GNPAT-related conditions. This variant is not present in population databases (gnomAD no frequency). This sequence change creates a premature translational stop signal (p.Trp386*) in the GNPAT gene. It is expected to result in an absent or disrupted protein product. Loss-of-function variants in GNPAT are known to be pathogenic (PMID: 9536089, 21990100).

Literature cited by the submitters: PubMed 9536089 (cited by Labcorp Genetics (formerly Invitae), Labcorp); PubMed 21990100 (cited by Labcorp Genetics (formerly Invitae), Labcorp).